The following is an entry in ClinVar:

ClinVar aggregate classification (germline): Likely benign (1 of 4 stars; one submission).

Submission:

CeGaT Center for Human Genetics Tuebingen
Classification: Likely benign. Last evaluated: 2025-12-01. Review status: criteria provided, single submitter. Criteria: CeGaT Center For Human Genetics Tuebingen Variant Classification Criteria Version 2. Collection method: clinical testing. Allele origin: germline. Affected: yes. Observed: 1 variant allele.
Comment: PURA: BP4, BP7

NM_005859.5(PURA):c.96G>C (p.Gly32=)

Gene: PURA (purine rich element binding protein A; plus strand). Cytogenetic location: 5q31.3.
Variant type: single nucleotide variant.
Coding change: c.96G>C on transcript NM_005859.5 (MANE Select); coding-DNA position 96, G replaced by C.
Protein change: p.Gly32=; no amino-acid change (glycine 32 retained).
Molecular consequence: synonymous variant.
Genome position (GRCh38, 1-based): chr5:140,114,277, G>C. VCF-style: chr5-140114277-G-C. GRCh37 (hg19) VCF-style: chr5-139493862-G-C.
Identifiers: ClinVar variation 4822807 (VCV004822807.4).
Genomic context (GRCh38, chr5:140,114,277, plus strand): 5'-TGCGGCGCTGGGTTCGGGCGGCTCCCTGGGGCACCCCGGCTCGGGCTCAGGCTCCGGCGG[G>C]GGCGGTGGTGGCGGCGGGGGCGGCGGCGGCAGTGGCGGCGGCGGCGGCGGGGCCCCAGGG-3'
Protein context (NP_005850.1, residues 22-42): GHPGSGSGSG[Gly32=]GGGGGGGGGG